The following is an entry in ClinVar:

NM_000059.4(BRCA2):c.5584G>C (p.Val1862Leu)

Gene: BRCA2 (BRCA2 DNA repair associated; plus strand). Cytogenetic location: 13q13.1.
Variant type: single nucleotide variant.
Coding change: c.5584G>C on transcript NM_000059.4 (MANE Select); coding-DNA position 5584, G replaced by C.
Protein change: p.Val1862Leu; replaces valine 1862 with leucine.
Molecular consequence: missense variant. On other transcripts: non-coding transcript variant (1), intron variant (2).
Genome position (GRCh38, 1-based): chr13:32,339,939, G>C. VCF-style: chr13-32339939-G-C. GRCh37 (hg19) VCF-style: chr13-32914076-G-C.
Other names: c.5584G>C, p.Val1862Leu (NM_001406719.1, NM_001406720.1, NM_001432077.1); c.1910-4619G>C (NM_001406721.1); c.425-4619G>C (NM_001406722.1); short protein forms V1862L.
Identifiers: ClinVar variation 3688369 (VCV003688369.2).
Genomic context (GRCh38, chr13:32,339,939, plus strand): 5'-CCTGCATTTAGGATAGCCAGTGGTAAAATCGTTTGTGTTTCACATGAAACAATTAAAAAA[G>C]TGAAAGACATATTTACAGACAGTTTCAGTAAAGTAATTAAGGAAAACAACGAGAATAAAT-3'
Protein context (NP_000050.3, residues 1852-1872): VCVSHETIKK[Val1862Leu]KDIFTDSFSK

ClinVar aggregate classification (germline): Uncertain significance (1 of 4 stars; one submission).

Conditions:
Hereditary breast ovarian cancer syndrome. Also called: Hereditary breast and ovarian cancer syndrome (HBOC); BRCA1- and BRCA2-Associated Hereditary Breast and Ovarian Cancer; Breast and ovarian cancer; Hereditary breast and ovarian cancer; Hereditary breast and ovarian cancer syndrome; Hereditary breast and/or ovarian cancer syndrome. Identifiers: Orphanet 145, MedGen C0677776, MeSH D061325, MONDO:0003582. Disease mechanism: loss of function.

gnomAD v4.1: 1 of 1,606,846 alleles (0.000062%); highest among the groups gnomAD compares: Non-Finnish European, 0.000085%; no homozygotes.

Submission:

Labcorp Genetics (formerly Invitae), Labcorp
Classification: Uncertain significance for Hereditary breast ovarian cancer syndrome. Last evaluated: 2024-07-23. Review status: criteria provided, single submitter. Criteria: Invitae Variant Classification Sherloc (09022015). Collection method: clinical testing. Allele origin: germline.
Comment: This sequence change replaces valine, which is neutral and non-polar, with leucine, which is neutral and non-polar, at codon 1862 of the BRCA2 protein (p.Val1862Leu). This variant is not present in population databases (gnomAD no frequency). This variant has not been reported in the literature in individuals affected with BRCA2-related conditions. Advanced modeling of protein sequence and biophysical properties (such as structural, functional, and spatial information, amino acid conservation, physicochemical variation, residue mobility, and thermodynamic stability) performed at Invitae indicates that this missense variant is not expected to disrupt BRCA2 protein function with a negative predictive value of 95%. In summary, the available evidence is currently insufficient to determine the role of this variant in disease. Therefore, it has been classified as a Variant of Uncertain Significance.